The following is an entry in ClinVar:

ClinVar aggregate classification (germline): Likely benign (1 of 4 stars; one submission).

gnomAD v4.1: 220 of 1,611,708 alleles (0.014%); highest among the groups gnomAD compares: Middle Eastern, 0.12%; no homozygotes.

Submission:

Mayo Clinic Laboratories, Mayo Clinic
Classification: Likely benign. Last evaluated: 2024-12-19. Review status: criteria provided, single submitter. Criteria: ACMG Guidelines, 2015. Collection method: clinical testing. Allele origin: germline. Observed: 1 variant allele.
Comment: BP7

NM_000414.4(HSD17B4):c.868+25C>T

Gene: HSD17B4 (hydroxysteroid 17-beta dehydrogenase 4; plus strand). Cytogenetic location: 5q23.1.
Variant type: single nucleotide variant.
Coding change: c.868+25C>T on transcript NM_000414.4 (MANE Select); 25 bases into the intron after coding-DNA position 868, C replaced by T.
Molecular consequence: intron variant.
Genome position (GRCh38, 1-based): chr5:119,493,971, C>T. VCF-style: chr5-119493971-C-T. GRCh37 (hg19) VCF-style: chr5-118829666-C-T.
Other names: p.?; c.457+25C>T (NM_001374503.1, NM_001374502.1, NM_001374501.1); c.943+25C>T (NM_001199291.3); c.541+25C>T (NM_001374499.1); c.427+25C>T (NM_001374500.1); c.448+25C>T (NM_001292028.2); c.796+25C>T (NM_001292027.2); c.868+25C>T (NM_001374498.1); and 2 more.
Identifiers: ClinVar variation 4684856 (VCV004684856.1).